The following is an entry in ClinVar:

ClinVar aggregate classification (germline): Uncertain significance (1 of 4 stars; one submission).

Conditions:
Emery-Dreifuss muscular dystrophy 5, autosomal dominant (EDMD5). Also called: EMERY-DREIFUSS MUSCULAR DYSTROPHY 5. Identifiers: Orphanet 261, MedGen C2751805, MONDO:0013072, OMIM 612999.

Allele frequency attached by ClinVar (database versions not stated): TOPMed 0.00002.
gnomAD v4.1: 5 of 1,612,072 alleles (0.00031%); highest among the groups gnomAD compares: African/African-American, 0.0054%; no homozygotes.

Submission:

Labcorp Genetics (formerly Invitae), Labcorp
Classification: Uncertain significance for Emery-Dreifuss muscular dystrophy 5, autosomal dominant. Last evaluated: 2022-06-20. Review status: criteria provided, single submitter. Criteria: Invitae Variant Classification Sherloc (09022015). Collection method: clinical testing. Allele origin: germline.
Comment: This variant is present in population databases (rs752582359, gnomAD 0.01%). In summary, the available evidence is currently insufficient to determine the role of this variant in disease. Therefore, it has been classified as a Variant of Uncertain Significance. Algorithms developed to predict the effect of missense changes on protein structure and function are either unavailable or do not agree on the potential impact of this missense change (SIFT: "Tolerated"; PolyPhen-2: "Possibly Damaging"; Align-GVGD: "Class C0"). ClinVar contains an entry for this variant (Variation ID: 538319). This variant has not been reported in the literature in individuals affected with SYNE2-related conditions. This sequence change replaces aspartic acid, which is acidic and polar, with glycine, which is neutral and non-polar, at codon 1266 of the SYNE2 protein (p.Asp1266Gly).

NM_182914.3(SYNE2):c.3797A>G (p.Asp1266Gly)

Gene: SYNE2 (spectrin repeat containing nuclear envelope protein 2; plus strand). Cytogenetic location: 14q23.2.
Variant type: single nucleotide variant.
Coding change: c.3797A>G on transcript NM_182914.3 (MANE Select); coding-DNA position 3797, A replaced by G.
Protein change: p.Asp1266Gly; replaces aspartic acid 1266 with glycine.
Molecular consequence: missense variant.
Genome position (GRCh38, 1-based): chr14:64,002,730, A>G. VCF-style: chr14-64002730-A-G. GRCh37 (hg19) VCF-style: chr14-64469448-A-G.
Other names: c.3797A>G, p.Asp1266Gly (NM_015180.6); short protein forms D1266G.
Identifiers: ClinVar variation 538319 (VCV000538319.8), dbSNP rs752582359, ClinGen allele CA7220074.
Genomic context (GRCh38, chr14:64,002,730, plus strand): 5'-CCTTTCTTTTTTCCACCTCAGTGTTTTAGCTTTTCTTATCTTTATTTTAGAATATCCAAG[A>G]TTCCATAGCAAAACAGATTGAAATATGTAACCGCTTAGAAGAGCCAGGCAACTTTGTATT-3'
Protein context (NP_878918.2, residues 1256-1276): RIYQHLRNIQ[Asp1266Gly]SIAKQIEICN